The following is an entry in ClinVar:

ClinVar aggregate classification (germline): Likely benign. Review status: criteria provided, multiple submitters, no conflicts (2 of 4 stars). 3 submissions from 3 submitters: Likely benign (3). Last evaluated 2025-09-04.

Conditions:
NOS3-related disorder. Also called: NOS3-related condition.

Allele frequency attached by ClinVar (database versions not stated): ESP Exome Variant Server 0.00100; TOPMed 0.00111.
gnomAD v4.1: 1,724 of 1,613,974 alleles (0.11%); highest among the groups gnomAD compares: Non-Finnish European, 0.13%; 3 homozygotes.

Submissions (3):

PreventionGenetics, part of Exact Sciences
Classification: Likely benign for NOS3-related condition. Last evaluated: 2025-09-04. Review status: criteria provided, single submitter. Criteria: ACMG Guidelines, 2015. Collection method: clinical testing. Allele origin: germline.
Comment: This variant is classified as likely benign based on ACMG/AMP sequence variant interpretation guidelines (Richards et al. 2015 PMID: 25741868, with internal and published modifications).

CeGaT Center for Human Genetics Tuebingen
Classification: Likely benign. Last evaluated: 2025-07-01. Review status: criteria provided, single submitter. Criteria: CeGaT Center For Human Genetics Tuebingen Variant Classification Criteria Version 2. Collection method: clinical testing. Allele origin: germline. Affected: yes. Observed: 1 variant allele.
Comment: NOS3: BP4, BP7

Labcorp Genetics (formerly Invitae), Labcorp
Classification: Likely benign. Last evaluated: 2019-12-31. Review status: criteria provided, single submitter. Criteria: Invitae Variant Classification Sherloc (09022015). Collection method: clinical testing. Allele origin: germline.

NM_000603.5(NOS3):c.1464C>G (p.Thr488=)

Genes: NOS3 (nitric oxide synthase 3; plus strand), LOC126860224 (CDK7 strongly-dependent group 2 enhancer GRCh37_chr7:150698330-150699529; plus strand). Cytogenetic location: 7q36.1.
Variant type: single nucleotide variant.
Coding change: c.1464C>G on transcript NM_000603.5 (MANE Select); coding-DNA position 1464, C replaced by G.
Protein change: p.Thr488=; no amino-acid change (threonine 488 retained).
Molecular consequence: synonymous variant.
Genome position (GRCh38, 1-based): chr7:151,001,579, C>G. VCF-style: chr7-151001579-C-G. GRCh37 (hg19) VCF-style: chr7-150698667-C-G.
Other names: c.1464C>G, p.Thr488= (NM_001160109.2, NM_001160110.1, NM_001160111.1).
Identifiers: ClinVar variation 773218 (VCV000773218.13), dbSNP rs138269110, ClinGen allele CA4566981.